The following is an entry in ClinVar:

ClinVar aggregate classification (germline): Uncertain significance (1 of 4 stars; one submission).

Submission:

CeGaT Center for Human Genetics Tuebingen
Classification: Uncertain significance. Last evaluated: 2023-04-01. Review status: criteria provided, single submitter. Criteria: CeGaT Center For Human Genetics Tuebingen Variant Classification Criteria Version 2. Collection method: clinical testing. Allele origin: germline. Affected: yes. Observed: 1 variant allele.
Comment: KIDINS220: PM2, BP1

NM_020738.4(KIDINS220):c.1959A>C (p.Lys653Asn)

Gene: KIDINS220 (kinase D interacting substrate 220; minus strand). Cytogenetic location: 2p25.1.
Variant type: single nucleotide variant.
Coding change: c.1959A>C on transcript NM_020738.4 (MANE Select); coding-DNA position 1959, A replaced by C.
Protein change: p.Lys653Asn; replaces lysine 653 with asparagine.
Molecular consequence: missense variant. On other transcripts: non-coding transcript variant (2).
Genome position (GRCh38, 1-based): chr2:8,786,011, T>G on the plus strand (A>C on the coding strand, the complement: KIDINS220 is on the minus strand). VCF-style: chr2-8786011-T-G. GRCh37 (hg19) VCF-style: chr2-8926141-T-G.
Other names: c.1959A>C, p.Lys653Asn (NM_001348735.2, NM_001348738.2, NM_001348741.2 and 3 more transcripts); c.1833A>C, p.Lys611Asn (NM_001348736.2); c.1962A>C, p.Lys654Asn (NM_001348739.2, NM_001348740.2, NM_001348745.2 and 3 more transcripts); short protein forms K611N, K653N, K654N.
Identifiers: ClinVar variation 2571064 (VCV002571064.27), dbSNP rs1672351491, ClinGen allele CA345764799.